The following is an entry in ClinVar:

NM_203486.3(DLL3):c.211G>T (p.Glu71Ter)

Gene: DLL3 (delta like canonical Notch ligand 3; plus strand). Cytogenetic location: 19q13.2.
Variant type: single nucleotide variant.
Coding change: c.211G>T on transcript NM_203486.3 (MANE Select); coding-DNA position 211, G replaced by T.
Protein change: p.Glu71Ter; replaces glutamic acid 71 with a stop codon.
Molecular consequence: nonsense.
Genome position (GRCh38, 1-based): chr19:39,499,333, G>T. VCF-style: chr19-39499333-G-T. GRCh37 (hg19) VCF-style: chr19-39989973-G-T.
Other names: c.211G>T, p.Glu71Ter (NM_016941.4); short protein forms E71*.
Identifiers: ClinVar variation 2919568 (VCV002919568.3), dbSNP rs1243748540, ClinGen allele CA405793693.

ClinVar aggregate classification (germline): Pathogenic (1 of 4 stars; one submission).

Allele frequency attached by ClinVar (database versions not stated): gnomAD exomes below 0.00001; gnomAD 0.00001; TOPMed 0.00001.
gnomAD v4.1: 3 of 1,548,566 alleles (0.00019%); highest among the groups gnomAD compares: African/African-American, 0.0014%; no homozygotes.

Submission:

Labcorp Genetics (formerly Invitae), Labcorp
Classification: Pathogenic. Last evaluated: 2023-07-03. Review status: criteria provided, single submitter. Criteria: Invitae Variant Classification Sherloc (09022015). Collection method: clinical testing. Allele origin: germline.
Comment: For these reasons, this variant has been classified as Pathogenic. This variant has not been reported in the literature in individuals affected with DLL3-related conditions. This variant is not present in population databases (gnomAD no frequency). This sequence change creates a premature translational stop signal (p.Glu71*) in the DLL3 gene. It is expected to result in an absent or disrupted protein product. Loss-of-function variants in DLL3 are known to be pathogenic (PMID: 12746394).

Literature cited by the submitters: PubMed 12746394.